The following is an entry in ClinVar:

NM_002335.4(LRP5):c.3835C>T (p.Arg1279Cys)

Gene: LRP5 (LDL receptor related protein 5; plus strand). Cytogenetic location: 11q13.2.
Variant type: single nucleotide variant.
Coding change: c.3835C>T on transcript NM_002335.4 (MANE Select); coding-DNA position 3835, C replaced by T.
Protein change: p.Arg1279Cys; replaces arginine 1279 with cysteine.
Molecular consequence: missense variant.
Genome position (GRCh38, 1-based): chr11:68,433,673, C>T. VCF-style: chr11-68433673-C-T. GRCh37 (hg19) VCF-style: chr11-68201141-C-T.
Other names: c.2092C>T, p.Arg698Cys (NM_001291902.2); short protein forms R1279C, R698C.
Identifiers: ClinVar variation 1351278 (VCV001351278.8), dbSNP rs1222844935, ClinGen allele CA381613722.

ClinVar aggregate classification (germline): Uncertain significance (1 of 4 stars; one submission).

Allele frequency attached by ClinVar (database versions not stated): gnomAD exomes 0.00001.
gnomAD v4.1: 6 of 1,613,410 alleles (0.00037%); highest among the groups gnomAD compares: South Asian, 0.0022%; no homozygotes.

Submission:

Labcorp Genetics (formerly Invitae), Labcorp
Classification: Uncertain significance. Last evaluated: 2022-09-08. Review status: criteria provided, single submitter. Criteria: Invitae Variant Classification Sherloc (09022015). Collection method: clinical testing. Allele origin: germline.
Comment: In summary, the available evidence is currently insufficient to determine the role of this variant in disease. Therefore, it has been classified as a Variant of Uncertain Significance. This sequence change replaces arginine, which is basic and polar, with cysteine, which is neutral and slightly polar, at codon 1279 of the LRP5 protein (p.Arg1279Cys). This variant is not present in population databases (gnomAD no frequency). This missense change has been observed in individual(s) with early-onset osteoporosis (PMID: 33118644). ClinVar contains an entry for this variant (Variation ID: 1351278). Algorithms developed to predict the effect of missense changes on protein structure and function (SIFT, PolyPhen-2, Align-GVGD) all suggest that this variant is likely to be disruptive.

Literature cited by the submitters: PubMed 33118644.